The following is an entry in ClinVar:

NM_000936.4(PNLIP):c.827C>T (p.Ala276Val)

Gene: PNLIP (pancreatic lipase; plus strand). Cytogenetic location: 10q25.3.
Variant type: single nucleotide variant.
Coding change: c.827C>T on transcript NM_000936.4 (MANE Select); coding-DNA position 827, C replaced by T.
Protein change: p.Ala276Val; replaces alanine 276 with valine.
Molecular consequence: missense variant.
Genome position (GRCh38, 1-based): chr10:116,556,015, C>T. VCF-style: chr10-116556015-C-T. GRCh37 (hg19) VCF-style: chr10-118315527-C-T.
Other names: short protein forms A276V.
Identifiers: ClinVar variation 2780099 (VCV002780099.1), dbSNP rs113176766, ClinGen allele CA5706617.

ClinVar aggregate classification (germline): Uncertain significance (1 of 4 stars; one submission).

Allele frequency attached by ClinVar (database versions not stated): gnomAD 0.00001; ExAC 0.00002; TOPMed 0.00002; ESP Exome Variant Server 0.00015.

Submission:

Labcorp Genetics (formerly Invitae), Labcorp
Classification: Uncertain significance. Last evaluated: 2022-12-18. Review status: criteria provided, single submitter. Criteria: Invitae Variant Classification Sherloc (09022015). Collection method: clinical testing. Allele origin: germline.
Comment: This sequence change replaces alanine, which is neutral and non-polar, with valine, which is neutral and non-polar, at codon 276 of the PNLIP protein (p.Ala276Val). This variant is present in population databases (rs113176766, gnomAD 0.004%). In summary, the available evidence is currently insufficient to determine the role of this variant in disease. Therefore, it has been classified as a Variant of Uncertain Significance. Advanced modeling of protein sequence and biophysical properties (such as structural, functional, and spatial information, amino acid conservation, physicochemical variation, residue mobility, and thermodynamic stability) performed at Invitae indicates that this missense variant is not expected to disrupt PNLIP protein function. This variant has not been reported in the literature in individuals affected with PNLIP-related conditions.